The following is an entry in ClinVar:

ClinVar aggregate classification (germline): Uncertain significance (0 of 4 stars; one submission).

Conditions:
Autism, susceptibility to, 20. Identifiers: MedGen C5394226, MONDO:0030004, OMIM 618830.

Submission:

Diagnostics Centre, Carl Von Ossietzky University Oldenburg
Classification: Uncertain significance for Autism, susceptibility to, 20. Last evaluated: 2025-03-12. Review status: no assertion criteria provided. Collection method: clinical testing. Allele origin: germline. Affected: yes. Observed: 1 variant allele.
Comment: The variant NLGN1:c.542G>A p.(Gly181Asp) which is located in the coding exon 4 of the NLGN1 gene, results from a guanine to adenine substitution at nucleotide position c.542. The glycine residue at protein position 181 is replaced by an aspartic acid. Missense variants in this gene or the affected region are a known disease mechanism and are rare in the general population. The affected protein region has significant levels of missense constrain. In silico tools predict a severe deleterious effect in the protein structure/function (REVEL = 0.9). The variant has not yet been described in ClinVar or any other scientific publication known to us. The variant is classified as very rare since it is absent in gnomAD v4.1.0. In summary, this variant is classified as a variant of unclear significance.

NM_001365925.2(NLGN1):c.602G>A (p.Gly201Asp)

Gene: NLGN1 (neuroligin 1; plus strand). Cytogenetic location: 3q26.31.
Variant type: single nucleotide variant.
Coding change: c.602G>A on transcript NM_001365925.2 (MANE Select); coding-DNA position 602, G replaced by A.
Protein change: p.Gly201Asp; replaces glycine 201 with aspartic acid.
Molecular consequence: missense variant.
Genome position (GRCh38, 1-based): chr3:173,807,728, G>A. VCF-style: chr3-173807728-G-A. GRCh37 (hg19) VCF-style: chr3-173525518-G-A.
Other names: c.602G>A, p.Gly201Asp (NM_001365923.2, NM_001365924.2, NM_001365926.2 and 2 more transcripts); c.542G>A, p.Gly181Asp (NM_001365929.2, NM_001365930.2, NM_001365931.2 and 6 more transcripts); short protein forms G181D, G201D.
Identifiers: ClinVar variation 4530653 (VCV004530653.1).
Genomic context (GRCh38, chr3:173,807,728, plus strand): 5'-TTTGTTTTCCAGATATTCGGGACAGTGGGGGTCCCAAACCAGTGATGGTGTATATCCATG[G>A]TGGCTCATATATGGAAGGTACTGGAAATTTATATGATGGAAGTGTCTTGGCAAGTTATGG-3'
Protein context (NP_001352854.1, residues 191-211): GPKPVMVYIH[Gly201Asp]GSYMEGTGNL